The following is an entry in ClinVar:

NM_001364905.1(LRBA):c.7404T>C (p.Ser2468=)

Gene: LRBA (LPS responsive beige-like anchor protein; minus strand). Cytogenetic location: 4q31.3.
Variant type: single nucleotide variant.
Coding change: c.7404T>C on transcript NM_001364905.1 (MANE Select); coding-DNA position 7404, T replaced by C.
Protein change: p.Ser2468=; no amino-acid change (serine 2468 retained).
Molecular consequence: synonymous variant.
Genome position (GRCh38, 1-based): chr4:150,325,857, A>G on the plus strand (T>C on the coding strand, the complement: LRBA is on the minus strand). VCF-style: chr4-150325857-A-G. GRCh37 (hg19) VCF-style: chr4-151247009-A-G.
Other names: p.Ser2479=; c.7404T>C, p.Ser2468= (NM_001199282.3, NM_001367550.1); c.7437T>C, p.Ser2479= (NM_006726.5).
Identifiers: ClinVar variation 540407 (VCV000540407.43), dbSNP rs150550923, ClinGen allele CA3101656.

ClinVar aggregate classification (germline): Benign/Likely benign. Review status: criteria provided, multiple submitters, no conflicts (2 of 4 stars). 7 submissions from 7 submitters: Benign (1); Likely benign (6). Last evaluated 2026-01-23.

Conditions:
LRBA-related disorder. Also called: LRBA-related condition.
Combined immunodeficiency due to LRBA deficiency. Also called: Common variable immunodeficiency 8, with autoimmunity. Identifiers: Orphanet 445018, MedGen C3553512, MONDO:0013863, OMIM 614700.

Allele frequency attached by ClinVar (database versions not stated): gnomAD exomes 0.00018 and 0.00042; ExAC 0.00048; 1000 Genomes Project 0.00060; 1000 Genomes Project 30x 0.00062; gnomAD 0.00164 and 0.00185; ESP Exome Variant Server 0.00223; TOPMed 0.00227.
gnomAD v4.1: 529 of 1,613,538 alleles (0.033%); highest among the groups gnomAD compares: African/African-American, 0.63%; 4 homozygotes.

Submissions (7):

Women's Health and Genetics/Laboratory Corporation of America, LabCorp
Classification: Likely benign. Last evaluated: 2026-01-23. Review status: criteria provided, single submitter. Criteria: LabCorp Variant Classification Summary - May 2015. Collection method: clinical testing. Allele origin: germline.

Labcorp Genetics (formerly Invitae), Labcorp
Classification: Benign for Combined immunodeficiency due to LRBA deficiency. Last evaluated: 2025-12-25. Review status: criteria provided, single submitter. Criteria: Invitae Variant Classification Sherloc (09022015). Collection method: clinical testing. Allele origin: germline.

PreventionGenetics, part of Exact Sciences
Classification: Likely benign for LRBA-related condition. Last evaluated: 2025-04-28. Review status: criteria provided, single submitter. Criteria: ACMG Guidelines, 2015. Collection method: clinical testing. Allele origin: germline.
Comment: This variant is classified as likely benign based on ACMG/AMP sequence variant interpretation guidelines (Richards et al. 2015 PMID: 25741868, with internal and published modifications).

Mayo Clinic Laboratories, Mayo Clinic
Classification: Likely benign. Last evaluated: 2024-12-02. Review status: criteria provided, single submitter. Criteria: ACMG Guidelines, 2015. Collection method: clinical testing. Allele origin: germline. Observed: 4 variant alleles.

Blueprint Genetics
Classification: Likely benign. Last evaluated: 2024-03-20. Review status: criteria provided, single submitter. Criteria: ACMG Guidelines, 2015. Collection method: clinical testing. Allele origin: germline.

CeGaT Center for Human Genetics Tuebingen
Classification: Likely benign. Last evaluated: 2022-05-01. Review status: criteria provided, single submitter. Criteria: CeGaT Center For Human Genetics Tuebingen Variant Classification Criteria Version 2. Collection method: clinical testing. Allele origin: germline. Affected: yes. Observed: 1 variant allele.
Comment: LRBA: BP4, BP7

Genetic Services Laboratory, University of Chicago
Classification: Likely benign. Last evaluated: 2019-03-18. Review status: criteria provided, single submitter. Criteria: ACMG Guidelines, 2015. Collection method: clinical testing. Allele origin: germline. Affected: no.